The following is an entry in ClinVar:

NM_015080.4(NRXN2):c.433C>T (p.Gln145Ter)

Gene: NRXN2 (neurexin 2; minus strand). Cytogenetic location: 11q13.1.
Variant type: single nucleotide variant.
Coding change: c.433C>T on transcript NM_015080.4 (MANE Select); coding-DNA position 433, C replaced by T.
Protein change: p.Gln145Ter; replaces glutamine 145 with a stop codon.
Molecular consequence: nonsense.
Genome position (GRCh38, 1-based): chr11:64,713,267, G>A on the plus strand (C>T on the coding strand, the complement: NRXN2 is on the minus strand). VCF-style: chr11-64713267-G-A. GRCh37 (hg19) VCF-style: chr11-64480739-G-A.
Other names: c.433C>T, p.Gln145Ter (NM_001376262.1, NM_001376263.1, NM_001376265.1 and 3 more transcripts); short protein forms Q145*.
Identifiers: ClinVar variation 4291708 (VCV004291708.1).

ClinVar aggregate classification (germline): Likely pathogenic (1 of 4 stars; one submission).

Conditions:
NRXN2-related developmental disorder.

Submission:

3billion
Classification: Likely pathogenic for NRXN2-related developmental disorder. Last evaluated: 2025-02-28. Review status: criteria provided, single submitter. Criteria: ACMG Guidelines, 2015. Collection method: clinical testing. Allele origin: germline. Affected: yes.
Comment: The variant is not observed in the gnomAD v4.1.0 dataset. Predicted Consequence/Location: Stop-gained (nonsense): predicted to result in a loss or disruption of normal protein function through nonsense-mediated decay (NMD) or protein truncation. Multiple pathogenic variants are reported downstream of the variant. Therefore, this variant is classified as Likely pathogenic according to the recommendation of ACMG/AMP guideline.